The following is an entry in ClinVar:

ClinVar aggregate classification (germline): Uncertain significance (1 of 4 stars; one submission).

Submission:

Labcorp Genetics (formerly Invitae), Labcorp
Classification: Uncertain significance. Last evaluated: 2021-08-27. Review status: criteria provided, single submitter. Criteria: Invitae Variant Classification Sherloc (09022015). Collection method: clinical testing. Allele origin: germline.
Comment: This sequence change replaces leucine with valine at codon 583 of the CDH23 protein (p.Leu583Val). The leucine residue is highly conserved and there is a small physicochemical difference between leucine and valine. This variant is not present in population databases (ExAC no frequency). This variant has not been reported in the literature in individuals affected with CDH23-related conditions. Algorithms developed to predict the effect of missense changes on protein structure and function are either unavailable or do not agree on the potential impact of this missense change (SIFT: "Deleterious"; PolyPhen-2: "Not Available"; Align-GVGD: "Class C0"). Algorithms developed to predict the effect of sequence changes on RNA splicing suggest that this variant may create or strengthen a splice site. In summary, the available evidence is currently insufficient to determine the role of this variant in disease. Therefore, it has been classified as a Variant of Uncertain Significance.

NM_022124.6(CDH23):c.1747C>G (p.Leu583Val)

Gene: CDH23 (cadherin related 23; plus strand). Cytogenetic location: 10q22.1.
Variant type: single nucleotide variant.
Coding change: c.1747C>G on transcript NM_022124.6 (MANE Select); coding-DNA position 1747, C replaced by G.
Protein change: p.Leu583Val; replaces leucine 583 with valine.
Molecular consequence: missense variant.
Genome position (GRCh38, 1-based): chr10:71,677,688, C>G. VCF-style: chr10-71677688-C-G. GRCh37 (hg19) VCF-style: chr10-73437445-C-G.
Other names: c.1747C>G, p.Leu583Val (NM_001171930.2, NM_001171931.2); short protein forms L583V.
Identifiers: ClinVar variation 1009441 (VCV001009441.6), dbSNP rs1864433251, ClinGen allele CA377130744.